The following is an entry in ClinVar:

NM_001871.3(CPB1):c.621C>T (p.Leu207=)

Gene: CPB1 (carboxypeptidase B1; plus strand). Cytogenetic location: 3q24.
Variant type: single nucleotide variant.
Coding change: c.621C>T on transcript NM_001871.3 (MANE Select); coding-DNA position 621, C replaced by T.
Protein change: p.Leu207=; no amino-acid change (leucine 207 retained).
Molecular consequence: synonymous variant.
Genome position (GRCh38, 1-based): chr3:148,844,522, C>T. VCF-style: chr3-148844522-C-T. GRCh37 (hg19) VCF-style: chr3-148562309-C-T.
Identifiers: ClinVar variation 784026 (VCV000784026.5), dbSNP rs147755306, ClinGen allele CA2657694.

ClinVar aggregate classification (germline): Benign. Review status: criteria provided, single submitter (1 of 4 stars). 2 submissions from 2 submitters: Benign (1). 1 of the submissions does not count toward it. Last evaluated 2018-08-20.

Conditions:
CPB1-related disorder. Also called: CPB1-related condition.

Allele frequency attached by ClinVar (database versions not stated): gnomAD exomes 0.00013 and 0.00035; ExAC 0.00036; ESP Exome Variant Server 0.00115; 1000 Genomes Project 30x 0.00125; gnomAD 0.00150 and 0.00161; 1000 Genomes Project 0.00160; TOPMed 0.00176.
gnomAD v4.1: 433 of 1,613,882 alleles (0.027%); highest among the groups gnomAD compares: African/African-American, 0.49%; 2 homozygotes.

Submissions (2):

Labcorp Genetics (formerly Invitae), Labcorp
Classification: Benign. Last evaluated: 2018-08-20. Review status: criteria provided, single submitter. Criteria: Invitae Variant Classification Sherloc (09022015). Collection method: clinical testing. Allele origin: germline.

PreventionGenetics, part of Exact Sciences
Classification: Likely benign for CPB1-related condition. Last evaluated: 2019-06-11. Review status: no assertion criteria provided. Collection method: clinical testing. Allele origin: germline. Not counted in ClinVar's aggregate classification.
Comment: This variant is classified as likely benign based on ACMG/AMP sequence variant interpretation guidelines (Richards et al. 2015 PMID: 25741868, with internal and published modifications).